The following is an entry in ClinVar:

NM_000128.4(F11):c.1772G>A (p.Gly591Asp)

Genes: F11 (coagulation factor XI; plus strand), F11-AS1 (F11 antisense RNA 1; minus strand). Cytogenetic location: 4q35.2.
Variant type: single nucleotide variant.
Coding change: c.1772G>A on transcript NM_000128.4 (MANE Select); coding-DNA position 1772, G replaced by A.
Protein change: p.Gly591Asp; replaces glycine 591 with aspartic acid.
Molecular consequence: missense variant. On other transcripts: non-coding transcript variant (1).
Genome position (GRCh38, 1-based): chr4:186,288,508, G>A. VCF-style: chr4-186288508-G-A. GRCh37 (hg19) VCF-style: chr4-187209662-G-A.
Other names: short protein forms G591D.
Identifiers: ClinVar variation 2768257 (VCV002768257.5), dbSNP rs1580110270, ClinGen allele CA358946036.
Genomic context (GRCh38, chr4:186,288,508, plus strand): 5'-TCTAGGGAGATTCGGGAGGCCCTCTGTCCTGCAAACACAATGAGGTCTGGCATCTGGTAG[G>A]CATCACGAGCTGGGGCGAAGGCTGTGCTCAAAGGGAGCGGCCAGGTGTTTACACCAACGT-3'
Protein context (NP_000119.1, residues 581-601): CKHNEVWHLV[Gly591Asp]ITSWGEGCAQ

ClinVar aggregate classification (germline): Pathogenic/Likely pathogenic. Review status: criteria provided, multiple submitters, no conflicts (2 of 4 stars). 2 submissions from 2 submitters: Pathogenic (1); Likely pathogenic (1). Last evaluated 2024-11-26.

Conditions:
Hereditary factor XI deficiency disease. Also called: PLASMA THROMBOPLASTIN ANTECEDENT DEFICIENCY; PTA DEFICIENCY; ROSENTHAL SYNDROME; Congenital factor XI deficiency. Identifiers: Orphanet 329, MedGen C0015523, MeSH D005173, MONDO:0012897, OMIM 612416.

Allele frequency attached by ClinVar (database versions not stated): TOPMed below 0.00001; gnomAD 0.00001.
gnomAD v4.1: 1 of 1,614,080 alleles (0.000062%); highest among the groups gnomAD compares: African/African-American, 0.0013%; no homozygotes.

Submissions (2):

Women's Health and Genetics/Laboratory Corporation of America, LabCorp
Classification: Likely pathogenic for Hereditary factor XI deficiency disease. Last evaluated: 2024-11-26. Review status: criteria provided, single submitter. Criteria: LabCorp Variant Classification Summary - May 2015. Collection method: clinical testing. Allele origin: germline.
Comment: Variant summary: F11 c.1772G>A (p.Gly591Asp) results in a non-conservative amino acid change in the encoded protein sequence. Five of five in-silico tools predict a damaging effect of the variant on protein function. The variant was absent in 251494 control chromosomes (gnomAD). c.1772G>A has been reported in the literature in individuals affected with Hereditary factor XI deficiency disease who were compound heterozygous with a frameshift variant in the NMD region (Xu_2017). These data indicate that the variant may be associated with disease. Experimental evidence evaluating an impact on protein function in these patients found that they had factor XI coagulation and antigen levels <5% of wild type, while their heterozygous father had intermediary levels. The following publication has been ascertained in the context of this evaluation (PMID: 29325334). ClinVar contains an entry for this variant (Variation ID: 2768257). Based on the evidence outlined above, the variant was classified as likely pathogenic.

Labcorp Genetics (formerly Invitae), Labcorp
Classification: Pathogenic. Last evaluated: 2023-07-18. Review status: criteria provided, single submitter. Criteria: Invitae Variant Classification Sherloc (09022015). Collection method: clinical testing. Allele origin: germline.
Comment: For these reasons, this variant has been classified as Pathogenic. Advanced modeling of protein sequence and biophysical properties (such as structural, functional, and spatial information, amino acid conservation, physicochemical variation, residue mobility, and thermodynamic stability) performed at Invitae indicates that this missense variant is expected to disrupt F11 protein function. This variant is also known as c.1815G>A (p.Gly573Asp). This missense change has been observed in individual(s) with autosomal recessive factor XI deficiency (PMID: 29325334). In at least one individual the data is consistent with being in trans (on the opposite chromosome) from a pathogenic variant. It has also been observed to segregate with disease in related individuals. This variant is not present in population databases (gnomAD no frequency). This sequence change replaces glycine, which is neutral and non-polar, with aspartic acid, which is acidic and polar, at codon 591 of the F11 protein (p.Gly591Asp).

Literature cited by the submitters: PubMed 29325334 (cited by Women's Health and Genetics/Laboratory Corporation of America, LabCorp and Labcorp Genetics (formerly Invitae), Labcorp).